The following is an entry in ClinVar:

NM_173628.4(DNAH17):c.5115G>A (p.Thr1705=)

Genes: DNAH17 (dynein axonemal heavy chain 17; minus strand), DNAH17-AS1 (DNAH17 antisense RNA 1; plus strand). Cytogenetic location: 17q25.3.
Variant type: single nucleotide variant.
Coding change: c.5115G>A on transcript NM_173628.4 (MANE Select); coding-DNA position 5115, G replaced by A.
Protein change: p.Thr1705=; no amino-acid change (threonine 1705 retained).
Molecular consequence: synonymous variant. On other transcripts: non-coding transcript variant (1).
Genome position (GRCh38, 1-based): chr17:78,502,666, C>T on the plus strand (G>A on the coding strand, the complement: DNAH17 is on the minus strand). VCF-style: chr17-78502666-C-T. GRCh37 (hg19) VCF-style: chr17-76498748-C-T.
Identifiers: ClinVar variation 3049520 (VCV003049520.3), dbSNP rs369830967, ClinGen allele CA8803420.

ClinVar aggregate classification (germline): Likely benign. Review status: criteria provided, single submitter (1 of 4 stars). 2 submissions from 2 submitters: Likely benign (1). 1 of the submissions does not count toward it. Last evaluated 2024-10-31.

Conditions:
DNAH17-related disorder. Also called: DNAH17-related condition.

Allele frequency attached by ClinVar (database versions not stated): gnomAD exomes 0.00040; ExAC 0.00119; 1000 Genomes Project 0.00220; 1000 Genomes Project 30x 0.00250; ESP Exome Variant Server 0.00470.
gnomAD v4.1: 1,161 of 1,612,806 alleles (0.072%); highest among the groups gnomAD compares: African/African-American, 1.2%; 5 homozygotes.

Submissions (2):

Blueprint Genetics
Classification: Likely benign. Last evaluated: 2024-10-31. Review status: criteria provided, single submitter. Criteria: ACMG Guidelines, 2015. Collection method: clinical testing. Allele origin: germline.

PreventionGenetics, part of Exact Sciences
Classification: Benign for DNAH17-related condition. Last evaluated: 2019-02-26. Review status: no assertion criteria provided. Collection method: clinical testing. Allele origin: germline. Not counted in ClinVar's aggregate classification.
Comment: This variant is classified as benign based on ACMG/AMP sequence variant interpretation guidelines (Richards et al. 2015 PMID: 25741868, with internal and published modifications).